The following is an entry in ClinVar:

NM_032444.4(SLX4):c.157G>T (p.Glu53Ter)

Gene: SLX4 (SLX4 structure-specific endonuclease subunit; minus strand). Cytogenetic location: 16p13.3.
Variant type: single nucleotide variant.
Coding change: c.157G>T on transcript NM_032444.4 (MANE Select); coding-DNA position 157, G replaced by T.
Protein change: p.Glu53Ter; replaces glutamic acid 53 with a stop codon.
Molecular consequence: nonsense.
Genome position (GRCh38, 1-based): chr16:3,608,808, C>A on the plus strand (G>T on the coding strand, the complement: SLX4 is on the minus strand). VCF-style: chr16-3608808-C-A. GRCh37 (hg19) VCF-style: chr16-3658809-C-A.
Other names: short protein forms E53*.
Identifiers: ClinVar variation 4705395 (VCV004705395.1).

ClinVar aggregate classification (germline): Pathogenic (1 of 4 stars; one submission).

Conditions:
Fanconi anemia (FA). Also called: Fanconi's anemia. Identifiers: Orphanet 84, MedGen C0015625, MeSH D005199, MONDO:0019391.

gnomAD v4.1: 1 of 1,614,134 alleles (0.000062%); highest among the groups gnomAD compares: African/African-American, 0.0013%; no homozygotes.

Submission:

Labcorp Genetics (formerly Invitae), Labcorp
Classification: Pathogenic for Fanconi anemia. Last evaluated: 2025-03-13. Review status: criteria provided, single submitter. Criteria: Invitae Variant Classification Sherloc (09022015). Collection method: clinical testing. Allele origin: germline.
Comment: This sequence change creates a premature translational stop signal (p.Glu53*) in the SLX4 gene. It is expected to result in an absent or disrupted protein product. Loss-of-function variants in SLX4 are known to be pathogenic (PMID: 21240277). This variant is not present in population databases (gnomAD no frequency). This variant has not been reported in the literature in individuals affected with SLX4-related conditions. For these reasons, this variant has been classified as Pathogenic.

Literature cited by the submitters: PubMed 21240277.